The following is an entry in ClinVar:

ClinVar aggregate classification (germline): Pathogenic (1 of 4 stars; one submission).

Conditions:
Primary ciliary dyskinesia. Also called: Ciliary dyskinesia. Identifiers: Orphanet 244, MedGen C0008780, MONDO:0016575, HP:0012265.

Submission:

Labcorp Genetics (formerly Invitae), Labcorp
Classification: Pathogenic for Primary ciliary dyskinesia. Last evaluated: 2023-08-16. Review status: criteria provided, single submitter. Criteria: Invitae Variant Classification Sherloc (09022015). Collection method: clinical testing. Allele origin: germline.
Comment: For these reasons, this variant has been classified as Pathogenic. ClinVar contains an entry for this variant (Variation ID: 525307). This variant has not been reported in the literature in individuals affected with DNAH11-related conditions. This variant is not present in population databases (gnomAD no frequency). This sequence change creates a premature translational stop signal (p.Arg3350*) in the DNAH11 gene. It is expected to result in an absent or disrupted protein product. Loss-of-function variants in DNAH11 are known to be pathogenic (PMID: 18022865, 20513915, 22184204).

Literature cited by the submitters: PubMed 18022865; PubMed 20513915; PubMed 22184204.

NM_001277115.2(DNAH11):c.10048A>T (p.Arg3350Ter)

Gene: DNAH11 (dynein axonemal heavy chain 11; plus strand). Cytogenetic location: 7p15.3.
Variant type: single nucleotide variant.
Coding change: c.10048A>T on transcript NM_001277115.2 (MANE Select); coding-DNA position 10048, A replaced by T.
Protein change: p.Arg3350Ter; replaces arginine 3350 with a stop codon.
Molecular consequence: nonsense.
Genome position (GRCh38, 1-based): chr7:21,801,158, A>T. VCF-style: chr7-21801158-A-T. GRCh37 (hg19) VCF-style: chr7-21840776-A-T.
Other names: short protein forms R3350*.
Identifiers: ClinVar variation 525307 (VCV000525307.7), dbSNP rs1554282583, ClinGen allele CA366943689.